The following is an entry in ClinVar:

ClinVar aggregate classification (germline): Uncertain significance (1 of 4 stars; one submission).

Conditions:
Baller-Gerold syndrome (BGS). Also called: CRANIOSYNOSTOSIS WITH RADIAL DEFECTS. Identifiers: Orphanet 1225, MedGen C0265308, MONDO:0009039, OMIM 218600.

Submission:

Labcorp Genetics (formerly Invitae), Labcorp
Classification: Uncertain significance for Baller-Gerold syndrome. Last evaluated: 2022-07-30. Review status: criteria provided, single submitter. Criteria: Invitae Variant Classification Sherloc (09022015). Collection method: clinical testing. Allele origin: germline.
Comment: In summary, the available evidence is currently insufficient to determine the role of this variant in disease. Therefore, it has been classified as a Variant of Uncertain Significance. Experimental studies and prediction algorithms are not available or were not evaluated, and the effect of this variant on mRNA splicing is currently unknown. This variant has not been reported in the literature in individuals affected with RECQL4-related conditions. This variant is not present in population databases (gnomAD no frequency). This sequence change affects codon 430 of the RECQL4 mRNA. It is a 'silent' change, meaning that it does not change the encoded amino acid sequence of the RECQL4 protein.

NM_004260.4(RECQL4):c.1290T>G (p.Pro430=)

Gene: RECQL4 (RecQ like helicase 4; minus strand). Cytogenetic location: 8q24.3.
Variant type: single nucleotide variant.
Coding change: c.1290T>G on transcript NM_004260.4 (MANE Select); coding-DNA position 1290, T replaced by G.
Protein change: p.Pro430=; no amino-acid change (proline 430 retained).
Molecular consequence: synonymous variant. On other transcripts: 5 prime UTR variant (1), non-coding transcript variant (3).
Genome position (GRCh38, 1-based): chr8:144,515,426, A>C on the plus strand (T>G on the coding strand, the complement: RECQL4 is on the minus strand). VCF-style: chr8-144515426-A-C. GRCh37 (hg19) VCF-style: chr8-145740810-A-C.
Other names: c.1194T>G, p.Pro398= (NM_001413017.1, NM_001413020.1); c.1290T>G, p.Pro430= (NM_001413018.1, NM_001413019.1, NM_001413033.1 and 2 more transcripts); c.219T>G, p.Pro73= (NM_001413021.1, NM_001413022.1, NM_001413023.1 and 8 more transcripts); c.1161T>G, p.Pro387= (NM_001413025.1); c.153T>G, p.Pro51= (NM_001413027.1, NM_001413030.1, NM_001413031.1 and 2 more transcripts); c.939T>G, p.Pro313= (NM_001413029.1); c.-178T>G (NM_001413043.1).
Identifiers: ClinVar variation 2198053 (VCV002198053.4), dbSNP rs1391443336, ClinGen allele CA463567270.